The following is an entry in ClinVar:

NM_003098.3(SNTA1):c.*8C>T

Gene: SNTA1 (syntrophin alpha 1; minus strand). Cytogenetic location: 20q11.21.
Variant type: single nucleotide variant.
Coding change: c.*8C>T on transcript NM_003098.3 (MANE Select); 8 bases downstream of the stop codon, C replaced by T.
Molecular consequence: 3 prime UTR variant.
Genome position (GRCh38, 1-based): chr20:33,408,499, G>A on the plus strand (C>T on the coding strand, the complement: SNTA1 is on the minus strand). VCF-style: chr20-33408499-G-A. GRCh37 (hg19) VCF-style: chr20-31996305-G-A.
Identifiers: ClinVar variation 496193 (VCV000496193.3), dbSNP rs1399933359, ClinGen allele CA635289347.

ClinVar aggregate classification (germline): Uncertain significance. Review status: criteria provided, single submitter (1 of 4 stars). 2 submissions from 2 submitters: Uncertain significance (1). 1 of the submissions does not count toward it. Last evaluated 2016-08-22.

Conditions:
SNTA1-related disorder. Also called: SNTA1-related condition.

Allele frequency attached by ClinVar (database versions not stated): gnomAD exomes below 0.00001 and 0.00001; TOPMed below 0.00001.

Submissions (2):

Women's Health and Genetics/Laboratory Corporation of America, LabCorp
Classification: Uncertain significance. Last evaluated: 2016-08-22. Review status: criteria provided, single submitter. Criteria: LabCorp Variant Classification Summary - May 2015. Collection method: clinical testing. Allele origin: germline.
Comment: Variant summary: The SNTA1 c.*8T>A variant involves the alteration of a non-conserved nucleotide, resulting a change in the 3UTR region. One in silico prediction tool predicts a benign outcome for this variant. This variant is absent in 118466 control chromosomes. The variant of interest has not, to our knowledge, been reported in affected individuals via publications and/or reputable databases/clinical diagnostic laboratories; nor evaluated for functional impact by in vivo/vitro studies. Taken together, this variant is classified as VUS.

PreventionGenetics, part of Exact Sciences
Classification: Likely benign for SNTA1-related condition. Last evaluated: 2019-05-06. Review status: no assertion criteria provided. Collection method: clinical testing. Allele origin: germline. Not counted in ClinVar's aggregate classification.
Comment: This variant is classified as likely benign based on ACMG/AMP sequence variant interpretation guidelines (Richards et al. 2015 PMID: 25741868, with internal and published modifications).